The following is an entry in ClinVar:

ClinVar aggregate classification (germline): Uncertain significance (1 of 4 stars; one submission).

Conditions:
Hereditary cancer-predisposing syndrome. Also called: Neoplastic Syndromes, Hereditary; Tumor predisposition; Hereditary Cancer Syndrome; Hereditary neoplastic syndrome. Identifiers: Orphanet 140162, MedGen C0027672, MeSH D009386, MONDO:0015356.

Submission:

Ambry Genetics
Classification: Uncertain significance for Hereditary cancer-predisposing syndrome. Last evaluated: 2026-06-12. Review status: criteria provided, single submitter. Criteria: Ambry Variant Classification Scheme 2023. Collection method: clinical testing. Allele origin: germline.
Comment: The p.C120F variant (also known as c.359G>T), located in coding exon 3 of the XRCC2 gene, results from a G to T substitution at nucleotide position 359. The cysteine at codon 120 is replaced by phenylalanine, an amino acid with highly dissimilar properties. This amino acid position is conserved. In addition, this alteration is predicted to be deleterious by in silico analysis. Based on the available evidence, the clinical significance of this variant remains unclear.

NM_005431.2(XRCC2):c.359G>T (p.Cys120Phe)

Gene: XRCC2 (X-ray repair cross complementing 2; minus strand). Cytogenetic location: 7q36.1.
Variant type: single nucleotide variant.
Coding change: c.359G>T on transcript NM_005431.2 (MANE Select); coding-DNA position 359, G replaced by T.
Protein change: p.Cys120Phe; replaces cysteine 120 with phenylalanine.
Molecular consequence: missense variant.
Genome position (GRCh38, 1-based): chr7:152,649,126, C>A on the plus strand (G>T on the coding strand, the complement: XRCC2 is on the minus strand). VCF-style: chr7-152649126-C-A. GRCh37 (hg19) VCF-style: chr7-152346211-C-A.
Other names: short protein forms C120F.
Identifiers: ClinVar variation 4866851 (VCV004866851.1).